The following is an entry in ClinVar:

ClinVar aggregate classification (germline): Pathogenic (1 of 4 stars; one submission).

Conditions:
Marfan syndrome (MFS). Also called: MARFAN SYNDROME, TYPE I; Marfan syndrome type 1; Marfan's syndrome; Marfan syndrome, classic; FBN1-Related Marfan Syndrome. Identifiers: Orphanet 284963, Orphanet 558, MedGen C0024796, MONDO:0007947, OMIM 154700.
Familial thoracic aortic aneurysm and aortic dissection (TAAD). Also called: Thoracic aortic aneurysms and dissections. Identifiers: Orphanet 91387, MedGen C4707243, MONDO:0019625.

Submission:

Labcorp Genetics (formerly Invitae), Labcorp
Classification: Pathogenic for Marfan syndrome; Familial thoracic aortic aneurysm and aortic dissection. Last evaluated: 2020-04-11. Review status: criteria provided, single submitter. Criteria: Invitae Variant Classification Sherloc (09022015). Collection method: clinical testing. Allele origin: unknown.
Comment: For these reasons, this variant has been classified as Pathogenic. A different truncating variant downstream from this event (c.8534dup, p.Glu2846Argfs*5) has been determined to be pathogenic (PMID: 19293843). This suggests that the residues downstream are critical for FBN1 protein function and that other truncating variants that do not result in nonsense mediated decay may also be pathogenic. This variant has been observed in individual(s) with clinical features of Marfan syndrome (Invitae). In at least one individual the variant was observed to be de novo. This variant is a partial deletion of exon 66 of the FBN1 gene. The 5' boundary begins in codon 2824 and the 3' end of this event extends through the termination codon to approximately 33 kilobases beyond the assayed region for this gene. While this deletion is not anticipated to result in nonsense mediated decay, it is expected to create a truncated FBN1 protein.

Literature cited by the submitters: PubMed 19293843.

NC_000015.9:g.(?_48670502)_(48703332_?)del

Gene: FBN1 (fibrillin 1; minus strand). Cytogenetic location: 15q21.1.
Variant type: Deletion.
Identifiers: ClinVar variation 3243736 (VCV003243736.1).